The following is an entry in ClinVar:

NM_176887.2(TAS2R46):c.84A>G (p.Ala28=)

Genes: PRH1 (proline rich protein HaeIII subfamily 1; minus strand), PRH1-PRR4 (PRH1-PRR4 readthrough; minus strand), PRH1-TAS2R14 (PRH1-TAS2R14 readthrough; minus strand), TAS2R46 (taste 2 receptor member 46; minus strand). Cytogenetic location: 12p13.2.
Variant type: single nucleotide variant.
Coding change: c.84A>G on transcript NM_176887.2 (MANE Select); coding-DNA position 84, A replaced by G.
Protein change: p.Ala28=; no amino-acid change (alanine 28 retained).
Molecular consequence: synonymous variant. On other transcripts: intron variant (3).
Genome position (GRCh38, 1-based): chr12:11,062,211, T>C on the plus strand (A>G on the coding strand, the complement: TAS2R46 is on the minus strand). VCF-style: chr12-11062211-T-C. GRCh37 (hg19) VCF-style: chr12-11214810-T-C.
Other names: c.-133-15023A>G (NM_001291315.2, NM_001316893.2); c.-294-15023A>G (NM_001291314.2).
Identifiers: ClinVar variation 2642703 (VCV002642703.22), dbSNP rs1396447844, ClinGen allele CA478840385.
Genomic context (GRCh38, chr12:11,062,211, plus strand): 5'-GAGAATTTGGTCAGCAAAAGAGATCTTTTGTCTCTTGAACCACTCAATGGAATTTACCAA[T>C]GCTATGAAGCCATTAGCAAAATTTCCAATCACAAATGTAACCACTATTAGAATGGAAAAA-3'
Protein context (NP_795368.2, residues 18-38): VIGNFANGFI[Ala28=]LVNSIEWFKR

ClinVar aggregate classification (germline): Likely benign (1 of 4 stars; one submission).

Submission:

CeGaT Center for Human Genetics Tuebingen
Classification: Likely benign. Last evaluated: 2023-08-01. Review status: criteria provided, single submitter. Criteria: CeGaT Center For Human Genetics Tuebingen Variant Classification Criteria Version 2. Collection method: clinical testing. Allele origin: germline. Affected: yes. Observed: 1 variant allele.
Comment: TAS2R46: BP4, BP7